The following is an entry in ClinVar:

NM_000751.3(CHRND):c.389A>T (p.Asn130Ile)

Gene: CHRND (cholinergic receptor nicotinic delta subunit; plus strand). Cytogenetic location: 2q37.1.
Variant type: single nucleotide variant.
Coding change: c.389A>T on transcript NM_000751.3 (MANE Select); coding-DNA position 389, A replaced by T.
Protein change: p.Asn130Ile; replaces asparagine 130 with isoleucine.
Molecular consequence: missense variant.
Genome position (GRCh38, 1-based): chr2:232,528,536, A>T. VCF-style: chr2-232528536-A-T. GRCh37 (hg19) VCF-style: chr2-233393246-A-T.
Other names: c.344A>T, p.Asn115Ile (NM_001256657.2); c.118A>T, p.Thr40Ser (NM_001311195.2); c.86A>T, p.Asn29Ile (NM_001311196.2); short protein forms N130I, N115I, N29I, T40S.
Identifiers: ClinVar variation 585670 (VCV000585670.10), dbSNP rs1553574327, ClinGen allele CA350997872.

ClinVar aggregate classification (germline): Conflicting classifications of pathogenicity. Review status: criteria provided, conflicting classifications (1 of 4 stars). 2 submissions from 2 submitters: Pathogenic (1); Uncertain significance (1). Last evaluated 2025-09-06.

Conditions:
Lethal multiple pterygium syndrome (LMPS). Identifiers: Orphanet 33108, MedGen C1854678, MONDO:0009668, OMIM 253290.

Submissions (2):

Labcorp Genetics (formerly Invitae), Labcorp
Classification: Pathogenic for Lethal multiple pterygium syndrome. Last evaluated: 2025-09-06. Review status: criteria provided, single submitter. Criteria: Invitae Variant Classification Sherloc (09022015). Collection method: clinical testing. Allele origin: germline.
Comment: This sequence change replaces asparagine, which is neutral and polar, with isoleucine, which is neutral and non-polar, at codon 130 of the CHRND protein (p.Asn130Ile). This variant is not present in population databases (gnomAD no frequency). This missense change has been observed in individual(s) with autosomal recessive congenital myasthenic syndrome (PMID: 28024842; internal data). In at least one individual the data is consistent with being in trans (on the opposite chromosome) from a pathogenic variant. It has also been observed to segregate with disease in related individuals. ClinVar contains an entry for this variant (Variation ID: 585670). Invitae Evidence Modeling of protein sequence and biophysical properties (such as structural, functional, and spatial information, amino acid conservation, physicochemical variation, residue mobility, and thermodynamic stability) indicates that this missense variant is expected to disrupt CHRND protein function with a positive predictive value of 95%. For these reasons, this variant has been classified as Pathogenic.

Athena Diagnostics
Classification: Uncertain significance. Last evaluated: 2018-03-27. Review status: criteria provided, single submitter. Criteria: Athena Diagnostics Criteria. Collection method: clinical testing. Allele origin: germline.

Literature cited by the submitters: PubMed 28024842 (cited by Labcorp Genetics (formerly Invitae), Labcorp and Athena Diagnostics).